The following is an entry in ClinVar:

ClinVar aggregate classification (germline): Uncertain significance (1 of 4 stars; one submission).

Conditions:
Familial adenomatous polyposis 1 (FAP1). Also called: FAMILIAL ADENOMATOUS POLYPOSIS 1, ATTENUATED; POLYPOSIS, ADENOMATOUS INTESTINAL. Identifiers: MedGen C2713442, MONDO:0021056, OMIM 175100. Disease mechanism: loss of function.

Submission:

Labcorp Genetics (formerly Invitae), Labcorp
Classification: Uncertain significance for Familial adenomatous polyposis 1. Last evaluated: 2024-12-19. Review status: criteria provided, single submitter. Criteria: Invitae Variant Classification Sherloc (09022015). Collection method: clinical testing. Allele origin: germline.
Comment: This variant occurs in a non-coding region of the APC gene. It does not change the encoded amino acid sequence of the APC protein. This variant is not present in population databases (gnomAD no frequency). This variant has not been reported in the literature in individuals affected with APC-related conditions. Experimental studies and prediction algorithms are not available or were not evaluated, and the functional significance of this variant is currently unknown. In summary, the available evidence is currently insufficient to determine the role of this variant in disease. Therefore, it has been classified as a Variant of Uncertain Significance.

NM_001127511.3(APC):c.-154G>C

Gene: APC (APC regulator of Wnt signaling pathway; plus strand). Cytogenetic location: 5q22.2.
Variant type: single nucleotide variant.
Coding change: c.-154G>C on transcript NM_001127511.3; 154 bases upstream of the start codon, G replaced by C.
Molecular consequence: 5 prime UTR variant. On other transcripts: non-coding transcript variant (2).
Genome position (GRCh38, 1-based): chr5:112,707,564, G>C. VCF-style: chr5-112707564-G-C. GRCh37 (hg19) VCF-style: chr5-112043261-G-C.
Other names: c.-337G>C (NM_001354895.2, NM_001407447.1, NM_001407452.1 and 3 more transcripts); c.-154G>C (NM_001354897.2, NM_001354902.2, NM_001407446.1); c.-104G>C (NM_001407448.1, NM_001407450.1, NM_001407457.1 and 1 more transcripts); c.-128G>C (NM_001407453.1); c.-1372G>C (NM_001407470.1, NM_001407472.1).
Identifiers: ClinVar variation 998738 (VCV000998738.8), dbSNP rs1750577100, ClinGen allele CA1573442451.